The following is an entry in ClinVar:

ClinVar aggregate classification (germline): Pathogenic/Likely pathogenic. Review status: criteria provided, multiple submitters, no conflicts (2 of 4 stars). 2 submissions from 2 submitters: Pathogenic (1); Likely pathogenic (1). Last evaluated 2026-01-08.

Conditions:
Polycystic kidney disease 4 (PKD4). Also called: POLYCYSTIC KIDNEY AND HEPATIC DISEASE 1; POLYCYSTIC KIDNEY DISEASE, INFANTILE, TYPE I; PKD3; POLYCYSTIC KIDNEY DISEASE 4 WITH OR WITHOUT POLYCYSTIC LIVER DISEASE; Autosomal Recessive Polycystic Kidney Disease – PKHD1. Identifiers: MedGen C4540575, MONDO:0033004, OMIM 263200.
Autosomal recessive polycystic kidney disease (ARPKD). Also called: AR polycystic kidney disease. Identifiers: Orphanet 731, Orphanet 8378, MedGen C0085548, MeSH D017044, MONDO:0009889.

Submissions (2):

Natera, Inc.
Classification: Pathogenic for Autosomal recessive polycystic kidney disease. Last evaluated: 2026-01-08. Review status: criteria provided, single submitter. Criteria: Natera Variant Classification Schema (03/2026). Collection method: clinical testing. Allele origin: germline.
Comment: The c.282-1G>T variant in PKHD1 is a canonical splice acceptor site variant predicted to affect pre-mRNA splicing, which may result in an abnormal transcript and altered protein product. This variant is expected to result in nonsense mediated decay, truncation, or a dysfunctional protein product. This variant is rare in the general population with a frequency below the threshold expected for the associated phenotype(s). This variant has been observed in one or more individuals affected with the associated recessive disease, as either homozygous or compound heterozygous with a second variant (PMID: 39802589). Given the available evidence, this variant is classified as Pathogenic.

Baylor Genetics
Classification: Likely pathogenic for Polycystic kidney disease 4. Last evaluated: 2022-10-10. Review status: criteria provided, single submitter. Criteria: ACMG Guidelines, 2015. Collection method: clinical testing. Allele origin: unknown.

Literature cited by the submitters: PubMed 39802589 (cited by Natera, Inc.).

NM_138694.4(PKHD1):c.282-1G>T

Gene: PKHD1 (PKHD1 ciliary IPT domain containing fibrocystin/polyductin; minus strand). Cytogenetic location: 6p12.2.
Variant type: single nucleotide variant.
Coding change: c.282-1G>T on transcript NM_138694.4 (MANE Select); the canonical splice acceptor site of the intron before coding-DNA position 282, G replaced by T.
Molecular consequence: splice acceptor variant.
Genome position (GRCh38, 1-based): chr6:52,080,009, C>A on the plus strand (G>T on the coding strand, the complement: PKHD1 is on the minus strand). VCF-style: chr6-52080009-C-A. GRCh37 (hg19) VCF-style: chr6-51944807-C-A.
Other names: c.282-1G>T (NM_170724.3, NM_138694.3).
Identifiers: ClinVar variation 2677860 (VCV002677860.2), dbSNP rs1157455673, ClinGen allele CA364439811.